The following is an entry in ClinVar:

ClinVar aggregate classification (germline): Uncertain significance (1 of 4 stars; one submission).

gnomAD v4.1: 1 of 1,612,806 alleles (0.000062%); highest among the groups gnomAD compares: Non-Finnish European, 0.000085%; no homozygotes.

Submission:

GeneDx
Classification: Uncertain significance. Last evaluated: 2023-10-23. Review status: criteria provided, single submitter. Criteria: GeneDx Variant Classification Process June 2021. Collection method: clinical testing. Allele origin: germline. Affected: yes.
Comment: Not observed at significant frequency in large population cohorts (gnomAD); In silico analysis supports that this missense variant does not alter protein structure/function; Has not been previously published as pathogenic or benign to our knowledge

NM_024757.5(EHMT1):c.391G>A (p.Ala131Thr)

Gene: EHMT1 (euchromatic histone lysine methyltransferase 1; plus strand). Cytogenetic location: 9q34.3.
Variant type: single nucleotide variant.
Coding change: c.391G>A on transcript NM_024757.5 (MANE Select); coding-DNA position 391, G replaced by A.
Protein change: p.Ala131Thr; replaces alanine 131 with threonine.
Molecular consequence: missense variant.
Genome position (GRCh38, 1-based): chr9:137,716,931, G>A. VCF-style: chr9-137716931-G-A. GRCh37 (hg19) VCF-style: chr9-140611383-G-A.
Other names: c.391G>A, p.Ala131Thr (NM_001145527.2, NM_001354263.2, NM_001354611.2); c.298G>A, p.Ala100Thr (NM_001354259.2, NM_001354612.2); short protein forms A100T, A131T.
Identifiers: ClinVar variation 3366265 (VCV003366265.1).